The following is an entry in ClinVar:

NM_024757.5(EHMT1):c.3393C>A (p.Tyr1131Ter)

Gene: EHMT1 (euchromatic histone lysine methyltransferase 1; plus strand). Cytogenetic location: 9q34.3.
Variant type: single nucleotide variant.
Coding change: c.3393C>A on transcript NM_024757.5 (MANE Select); coding-DNA position 3393, C replaced by A.
Protein change: p.Tyr1131Ter; replaces tyrosine 1131 with a stop codon.
Molecular consequence: nonsense.
Genome position (GRCh38, 1-based): chr9:137,817,457, C>A. VCF-style: chr9-137817457-C-A. GRCh37 (hg19) VCF-style: chr9-140711909-C-A.
Other names: c.3372C>A, p.Tyr1124Ter (NM_001354263.2); short protein forms Y1124*, Y1131*.
Identifiers: ClinVar variation 1394346 (VCV001394346.6), dbSNP rs2132792568, ClinGen allele CA375772967.

ClinVar aggregate classification (germline): Pathogenic (1 of 4 stars; one submission).

Conditions:
Kleefstra syndrome 1 (KLEFS1). Identifiers: Orphanet 261494, MedGen C0795833, MONDO:0027407, OMIM 610253.

Submission:

Labcorp Genetics (formerly Invitae), Labcorp
Classification: Pathogenic for Kleefstra syndrome 1. Last evaluated: 2021-04-10. Review status: criteria provided, single submitter. Criteria: Invitae Variant Classification Sherloc (09022015). Collection method: clinical testing. Allele origin: germline.
Comment: This variant is not present in population databases (ExAC no frequency). This sequence change creates a premature translational stop signal (p.Tyr1131*) in the EHMT1 gene. It is expected to result in an absent or disrupted protein product. Loss-of-function variants in EHMT1 are known to be pathogenic (PMID: 16826528, 19264732). This variant has not been reported in the literature in individuals with EHMT1-related conditions. For these reasons, this variant has been classified as Pathogenic.

Literature cited by the submitters: PubMed 16826528; PubMed 19264732.